The following is an entry in ClinVar:

NM_001035.3(RYR2):c.48+8C>T

Gene: RYR2 (ryanodine receptor 2; plus strand). Cytogenetic location: 1q43.
Variant type: single nucleotide variant.
Coding change: c.48+8C>T on transcript NM_001035.3 (MANE Select); 8 bases into the intron after coding-DNA position 48, C replaced by T.
Molecular consequence: intron variant.
Genome position (GRCh38, 1-based): chr1:237,042,577, C>T. VCF-style: chr1-237042577-C-T. GRCh37 (hg19) VCF-style: chr1-237205877-C-T.
Identifiers: ClinVar variation 2153466 (VCV002153466.4), dbSNP rs776268082, ClinGen allele CA2580062377.

ClinVar aggregate classification (germline): Uncertain significance (1 of 4 stars; one submission).

Conditions:
Catecholaminergic polymorphic ventricular tachycardia 1. Also called: VENTRICULAR TACHYCARDIA, CATECHOLAMINERGIC POLYMORPHIC, 1, WITH OR WITHOUT ATRIAL DYSFUNCTION AND/OR DILATED CARDIOMYOPATHY; RYR2-Related Catecholaminergic Polymorphic Ventricular Tachycardia; VENTRICULAR TACHYCARDIA, STRESS-INDUCED POLYMORPHIC 1. Identifiers: Orphanet 3286, MedGen C1631597, MONDO:0011484, OMIM 604772.

Submission:

Labcorp Genetics (formerly Invitae), Labcorp
Classification: Uncertain significance for Catecholaminergic polymorphic ventricular tachycardia 1. Last evaluated: 2022-02-19. Review status: criteria provided, single submitter. Criteria: Invitae Variant Classification Sherloc (09022015). Collection method: clinical testing. Allele origin: germline.
Comment: In summary, the available evidence is currently insufficient to determine the role of this variant in disease. Therefore, it has been classified as a Variant of Uncertain Significance. Algorithms developed to predict the effect of sequence changes on RNA splicing suggest that this variant may disrupt the consensus splice site. This variant has not been reported in the literature in individuals affected with RYR2-related conditions. This variant is not present in population databases (gnomAD no frequency). This sequence change falls in intron 1 of the RYR2 gene. It does not directly change the encoded amino acid sequence of the RYR2 protein.